The following is an entry in ClinVar:

NM_005336.6(HDLBP):c.657+4A>C

Gene: HDLBP (high density lipoprotein binding protein; minus strand). Cytogenetic location: 2q37.3.
Variant type: single nucleotide variant.
Coding change: c.657+4A>C on transcript NM_005336.6 (MANE Select); 4 bases into the intron after coding-DNA position 657, A replaced by C.
Molecular consequence: intron variant.
Genome position (GRCh38, 1-based): chr2:241,256,596, T>G on the plus strand (A>C on the coding strand, the complement: HDLBP is on the minus strand). VCF-style: chr2-241256596-T-G. GRCh37 (hg19) VCF-style: chr2-242196011-T-G.
Other names: c.657+4A>C (NM_001320965.3, NM_001320967.3, NM_203346.6 and 1 more transcripts); c.765+4A>C (NM_001243900.3).
Identifiers: ClinVar variation 4992753 (VCV004992753.1).
Genomic context (GRCh38, chr2:241,256,596, plus strand): 5'-CATGAGGGAGTGAGGTCTGCACAAGCAGGTAGGCAGGGGCACGAGGCACTCACACAGGCC[T>G]CACCTGCTCGGCAGAGATGAGTAAGACTTCATGGCGAGCTTTCTCGATGCCCTCTTTGGT-3'

ClinVar aggregate classification (germline): Uncertain significance (1 of 4 stars; one submission).

Conditions:
HDLBP-related disorder. Also called: HDLBP-related condition.

Submission:

PreventionGenetics, part of Exact Sciences
Classification: Uncertain significance for HDLBP-related condition. Last evaluated: 2026-09-21. Review status: criteria provided, single submitter. Criteria: ACMG Guidelines, 2015. Collection method: clinical testing. Allele origin: germline.
Comment: The HDLBP c.657+4A>C variant is predicted to interfere with splicing. This variant is predicted to impact splicing based on one available splicing algorithm (SpliceAI, Jaganathan et al. 2019. PubMed ID: 30661751). To our knowledge, this variant has not been reported in the literature or in a large population database (gnomAD), indicating this variant is rare. At this time, the clinical significance of this variant is uncertain due to the absence of conclusive functional and genetic evidence.